The following is an entry in ClinVar:

ClinVar aggregate classification (germline): Pathogenic. Review status: criteria provided, multiple submitters, no conflicts (2 of 4 stars). 3 submissions from 3 submitters: Pathogenic (3). Last evaluated 2026-01-12.

Conditions:
Familial hypokalemia-hypomagnesemia (GTLMNS). Also called: gitelman syndrome; HYPOMAGNESEMIA-HYPOKALEMIA, PRIMARY RENOTUBULAR, WITH HYPOCALCIURIA; POTASSIUM AND MAGNESIUM DEPLETION. Identifiers: Orphanet 358, MedGen C0268450, MONDO:0009904, OMIM 263800.

gnomAD v4.1: 5 of 1,613,882 alleles (0.00031%); highest among the groups gnomAD compares: East Asian, 0.0089%; no homozygotes.

Submissions (3):

Labcorp Genetics (formerly Invitae), Labcorp
Classification: Pathogenic. Last evaluated: 2026-01-12. Review status: criteria provided, single submitter. Criteria: Invitae Variant Classification Sherloc (09022015). Collection method: clinical testing. Allele origin: germline.
Comment: This sequence change creates a premature translational stop signal (p.Ser710*) in the SLC12A3 gene. It is expected to result in an absent or disrupted protein product. Loss-of-function variants in SLC12A3 are known to be pathogenic (PMID: 20848653, 22009145, 25841442). This variant is present in population databases (rs546999572, gnomAD 0.03%). This premature translational stop signal has been observed in individual(s) with Gitelman syndrome (PMID: 14750096, 25273610). ClinVar contains an entry for this variant (Variation ID: 2137830). Algorithms developed to predict the effect of variants on gene product structure and function are not available or were not evaluated for this variant. Experimental studies have shown that this premature translational stop signal affects SLC12A3 function (PMID: 20848653). For these reasons, this variant has been classified as Pathogenic.

Natera, Inc.
Classification: Pathogenic for Gitelman syndrome. Last evaluated: 2025-11-19. Review status: criteria provided, single submitter. Criteria: Natera Variant Classification Schema (03/2026). Collection method: clinical testing. Allele origin: germline.
Comment: The c.2129C>A variant in SLC12A3 is a nonsense variant predicted to introduce a stop codon at amino acid 710. This variant is expected to result in nonsense mediated decay, truncation, or a dysfunctional protein product. This variant is rare in the general population with a frequency below the threshold expected for the associated phenotype(s). This variant has been observed in one or more individuals affected with the associated recessive disease, as either homozygous or compound heterozygous with a second variant (PMID: 33996672). This variant has been found together with another disease-causing variant in the same copy of the gene (PMID: 34389731). Given the available evidence, this variant is classified as Pathogenic.

Juno Genomics, Hangzhou Juno Genomics, Inc
Classification: Pathogenic for Familial hypokalemia-hypomagnesemia. Review status: criteria provided, single submitter. Criteria: ACMG Guidelines, 2015. Collection method: clinical testing. Allele origin: germline. Affected: yes.
Comment: Absent from controls (or at extremely low frequency if recessive) in Genome Aggregation Database, Exome Sequencing Project, 1000 Genomes Project, or Exome Aggregation Consortium.;Null variant in a gene where loss of function (LOF) is a known mechanism of disease.;For recessive disorders, detected in trans with a pathogenic variant.;Co-segregation with disease in multiple affected family members in a gene definitively known to cause the disease.;Patient's phenotype or family history is highly specific for a disease with a single genetic etiology.

Literature cited by the submitters: PubMed 20848653 (cited by Labcorp Genetics (formerly Invitae), Labcorp); PubMed 22009145 (cited by Labcorp Genetics (formerly Invitae), Labcorp); PubMed 25841442 (cited by Labcorp Genetics (formerly Invitae), Labcorp); PubMed 14750096 (cited by Labcorp Genetics (formerly Invitae), Labcorp); PubMed 25273610 (cited by Labcorp Genetics (formerly Invitae), Labcorp); PubMed 33996672 (cited by Natera, Inc.); PubMed 34389731 (cited by Natera, Inc.).

NM_001126108.2(SLC12A3):c.2129C>A (p.Ser710Ter)

Gene: SLC12A3 (solute carrier family 12 member 3; plus strand). Cytogenetic location: 16q13.
Variant type: single nucleotide variant.
Coding change: c.2129C>A on transcript NM_001126108.2 (MANE Select); coding-DNA position 2129, C replaced by A.
Protein change: p.Ser710Ter; replaces serine 710 with a stop codon.
Molecular consequence: nonsense.
Genome position (GRCh38, 1-based): chr16:56,887,044, C>A. VCF-style: chr16-56887044-C-A. GRCh37 (hg19) VCF-style: chr16-56920956-C-A.
Other names: c.2129C>A, p.Ser710Ter (NM_000339.3); c.2126C>A, p.Ser709Ter (NM_001126107.2, NM_001410896.1); c.2129C>A (NM_000339.2); short protein forms S709*, S710*.
Identifiers: ClinVar variation 2137830 (VCV002137830.8), dbSNP rs546999572, ClinGen allele CA8069742.